The following is an entry in ClinVar:

NM_001793.6(CDH3):c.956T>C (p.Leu319Pro)

Gene: CDH3 (cadherin 3; plus strand). Cytogenetic location: 16q22.1.
Variant type: single nucleotide variant.
Coding change: c.956T>C on transcript NM_001793.6 (MANE Select); coding-DNA position 956, T replaced by C.
Protein change: p.Leu319Pro; replaces leucine 319 with proline.
Molecular consequence: missense variant.
Genome position (GRCh38, 1-based): chr16:68,681,056, T>C. VCF-style: chr16-68681056-T-C. GRCh37 (hg19) VCF-style: chr16-68714959-T-C.
Other names: c.956T>C, p.Leu319Pro (NM_001317195.3); c.791T>C, p.Leu264Pro (NM_001317196.2); short protein forms L319P, L264P.
Identifiers: ClinVar variation 842303 (VCV000842303.9), dbSNP rs752033048, ClinGen allele CA396451975.

ClinVar aggregate classification (germline): Uncertain significance (1 of 4 stars; one submission).

gnomAD v4.1: 1 of 1,613,998 alleles (0.000062%); highest among the groups gnomAD compares: Non-Finnish European, 0.000085%; no homozygotes.

Submission:

Labcorp Genetics (formerly Invitae), Labcorp
Classification: Uncertain significance. Last evaluated: 2022-01-15. Review status: criteria provided, single submitter. Criteria: Invitae Variant Classification Sherloc (09022015). Collection method: clinical testing. Allele origin: germline.
Comment: This sequence change replaces leucine, which is neutral and non-polar, with proline, which is neutral and non-polar, at codon 319 of the CDH3 protein (p.Leu319Pro). In summary, the available evidence is currently insufficient to determine the role of this variant in disease. Therefore, it has been classified as a Variant of Uncertain Significance. Algorithms developed to predict the effect of missense changes on protein structure and function are either unavailable or do not agree on the potential impact of this missense change (SIFT: "Not Available"; PolyPhen-2: "Benign"; Align-GVGD: "Not Available"). ClinVar contains an entry for this variant (Variation ID: 842303). This variant has not been reported in the literature in individuals affected with CDH3-related conditions. This variant is not present in population databases (gnomAD no frequency).